The following is an entry in ClinVar:

ClinVar aggregate classification (germline): Pathogenic. Review status: criteria provided, multiple submitters, no conflicts (2 of 4 stars). 2 submissions from 2 submitters: Pathogenic (2). Last evaluated 2024-02-11.

Conditions:
Hereditary hemorrhagic telangiectasia (HHT). Also called: ORW DISEASE; Osler Weber Rendu syndrome; OSLER-RENDU-WEBER DISEASE; Osler hemorrhagic telangiectasia syndrome. Identifiers: Orphanet 774, MedGen C0039445, MONDO:0019180. Disease mechanism: loss of function.
Cardiovascular phenotype. Identifiers: MedGen CN230736.

Submissions (2):

Labcorp Genetics (formerly Invitae), Labcorp
Classification: Pathogenic for Hereditary hemorrhagic telangiectasia. Last evaluated: 2024-02-11. Review status: criteria provided, single submitter. Criteria: Invitae Variant Classification Sherloc (09022015). Collection method: clinical testing. Allele origin: germline.
Comment: This sequence change creates a premature translational stop signal (p.Glu195Hisfs*140) in the ENG gene. It is expected to result in an absent or disrupted protein product. Loss-of-function variants in ENG are known to be pathogenic (PMID: 15879500). This variant is not present in population databases (gnomAD no frequency). This variant has not been reported in the literature in individuals affected with ENG-related conditions. ClinVar contains an entry for this variant (Variation ID: 1749886). For these reasons, this variant has been classified as Pathogenic.

Ambry Genetics
Classification: Pathogenic for Cardiovascular phenotype. Last evaluated: 2022-12-08. Review status: criteria provided, single submitter. Criteria: Ambry Variant Classification Scheme 2023. Collection method: clinical testing. Allele origin: germline.
Comment: The c.582_583insCATG pathogenic mutation, located in coding exon 5 of the ENG gene, results from an insertion of 4 nucleotides at position 582, causing a translational frameshift with a predicted alternate stop codon (p.E195Hfs*140). This variant is considered to be rare based on population cohorts in the Genome Aggregation Database (gnomAD). This alteration is expected to result in loss of function by premature protein truncation or nonsense-mediated mRNA decay. As such, this alteration is interpreted as a disease-causing mutation.

Literature cited by the submitters: PubMed 15879500 (cited by Labcorp Genetics (formerly Invitae), Labcorp).

NM_001114753.3(ENG):c.582_583insCATG (p.Glu195fs)

Gene: ENG (endoglin; minus strand). Cytogenetic location: 9q34.11.
Variant type: Insertion.
Coding change: c.582_583insCATG on transcript NM_001114753.3 (MANE Select); coding-DNA positions 582 to 583, CATG inserted.
Protein change: p.Glu195fs; shifts the reading frame from glutamic acid 195.
Molecular consequence: frameshift variant.
Genome position: GRCh38 VCF-style: chr9-127825801-C-CCATG. GRCh37 (hg19) VCF-style: chr9-130588080-C-CCATG.
Other names: c.582_583insCATG, p.Glu195Hisfs (NM_000118.4, NM_001406715.1); c.36_37insCATG, p.Glu13fs (NM_001278138.2); short protein forms E195fs, E13fs.
Identifiers: ClinVar variation 1749886 (VCV001749886.5), dbSNP rs2539076160, ClinGen allele CA2580079690.